The following is an entry in ClinVar:

ClinVar aggregate classification (germline): Likely benign. Review status: criteria provided, multiple submitters, no conflicts (2 of 4 stars). 5 submissions from 5 submitters: Likely benign (3). 2 of the submissions do not count toward it. Last evaluated 2026-01-24.

Conditions:
BNC2-related disorder. Also called: BNC2-related condition.
Hypotension. Also called: low blood pressure; Hypotensive disorder. Identifiers: MedGen C0020649, MONDO:0005468, HP:0002615, MeSH D007022.

Allele frequency attached by ClinVar (database versions not stated): 1000 Genomes Project 30x 0.00094; 1000 Genomes Project 0.00100; TOPMed 0.00230; gnomAD 0.00261 and 0.00269; gnomAD exomes 0.00267 and 0.00340; ExAC 0.00275; ESP Exome Variant Server 0.00284.
gnomAD v4.1: 5,333 of 1,614,038 alleles (0.33%); highest among the groups gnomAD compares: Non-Finnish European, 0.41%; 12 homozygotes.

Submissions (5):

Labcorp Genetics (formerly Invitae), Labcorp
Classification: Likely benign. Last evaluated: 2026-01-24. Review status: criteria provided, single submitter. Criteria: Invitae Variant Classification Sherloc (09022015). Collection method: clinical testing. Allele origin: germline.

CeGaT Center for Human Genetics Tuebingen
Classification: Likely benign. Last evaluated: 2025-09-01. Review status: criteria provided, single submitter. Criteria: CeGaT Center For Human Genetics Tuebingen Variant Classification Criteria Version 2. Collection method: clinical testing. Allele origin: germline. Affected: yes. Observed: 2 variant alleles.
Comment: BNC2: BS1

Blueprint Genetics
Classification: Likely benign. Last evaluated: 2024-11-21. Review status: criteria provided, single submitter. Criteria: ACMG Guidelines, 2015. Collection method: clinical testing. Allele origin: germline.

PreventionGenetics, part of Exact Sciences
Classification: Benign for BNC2-related condition. Last evaluated: 2021-08-10. Review status: no assertion criteria provided. Collection method: clinical testing. Allele origin: germline. Not counted in ClinVar's aggregate classification.
Comment: This variant is classified as benign based on ACMG/AMP sequence variant interpretation guidelines (Richards et al. 2015 PMID: 25741868, with internal and published modifications).

Centre for molecular medicine, Karolinska Institutet
No classification provided. Condition: Hypotension. Review status: no classification provided. Collection method: not provided. Allele origin: not provided. Not counted in ClinVar's aggregate classification.
Comment: hold until published

NM_017637.6(BNC2):c.2789A>G (p.Asp930Gly)

Gene: BNC2 (basonuclin zinc finger protein 2; minus strand). Cytogenetic location: 9p22.3.
Variant type: single nucleotide variant.
Coding change: c.2789A>G on transcript NM_017637.6 (MANE Select); coding-DNA position 2789, A replaced by G.
Protein change: p.Asp930Gly; replaces aspartic acid 930 with glycine.
Molecular consequence: missense variant. On other transcripts: 3 prime UTR variant (1).
Genome position (GRCh38, 1-based): chr9:16,419,500, T>C on the plus strand (A>G on the coding strand, the complement: BNC2 is on the minus strand). VCF-style: chr9-16419500-T-C. GRCh37 (hg19) VCF-style: chr9-16419498-T-C.
Other names: c.*133A>G (NM_001317939.2); c.2504A>G, p.Asp835Gly (NM_001317940.2); short protein forms D930G, D835G.
Identifiers: ClinVar variation 120239 (VCV000120239.35), dbSNP rs41268965, ClinGen allele CA204336.
Genomic context (GRCh38, chr9:16,419,500, plus strand): 5'-CCATACCCGTTCAGGTGGGAGTCTTCAGTCCCTGCGGGAGAGGAGGCGTCTTCCCTGACA[T>C]CGAGCCCCATGGGGTGCTGGGCACCATATATCTTCACCAAAAATTCATCGCGGAGGTCCT-3'
Protein context (NP_060107.3, residues 920-940): IYGAQHPMGL[Asp930Gly]VREDASSPAG